The following is an entry in ClinVar:

NM_001271.4(CHD2):c.2869A>G (p.Arg957Gly)

Gene: CHD2 (chromodomain helicase DNA binding protein 2; plus strand). Cytogenetic location: 15q26.1.
Variant type: single nucleotide variant.
Coding change: c.2869A>G on transcript NM_001271.4 (MANE Select); coding-DNA position 2869, A replaced by G.
Protein change: p.Arg957Gly; replaces arginine 957 with glycine.
Molecular consequence: missense variant.
Genome position (GRCh38, 1-based): chr15:92,979,276, A>G. VCF-style: chr15-92979276-A-G. GRCh37 (hg19) VCF-style: chr15-93522506-A-G.
Other names: short protein forms R957G.
Identifiers: ClinVar variation 1977572 (VCV001977572.5), dbSNP rs2053946866, ClinGen allele CA393894316.

ClinVar aggregate classification (germline): Uncertain significance (1 of 4 stars; one submission).

Conditions:
Developmental and epileptic encephalopathy 94 (DEE94). Also called: Epileptic encephalopathy, childhood-onset; CHD2-Related Neurodevelopmental Disorders. Identifiers: Orphanet 1942, Orphanet 2382, MedGen C3809278, MONDO:0014150, OMIM 615369.

Allele frequency attached by ClinVar (database versions not stated): gnomAD exomes below 0.00001.
gnomAD v4.1: 2 of 1,613,846 alleles (0.00012%); highest among the groups gnomAD compares: Non-Finnish European, 0.000085%; no homozygotes.

Submission:

Labcorp Genetics (formerly Invitae), Labcorp
Classification: Uncertain significance for Developmental and epileptic encephalopathy 94. Last evaluated: 2022-11-19. Review status: criteria provided, single submitter. Criteria: Invitae Variant Classification Sherloc (09022015). Collection method: clinical testing. Allele origin: germline.
Comment: In summary, the available evidence is currently insufficient to determine the role of this variant in disease. Therefore, it has been classified as a Variant of Uncertain Significance. Advanced modeling of protein sequence and biophysical properties (such as structural, functional, and spatial information, amino acid conservation, physicochemical variation, residue mobility, and thermodynamic stability) performed at Invitae indicates that this missense variant is not expected to disrupt CHD2 protein function. This variant has not been reported in the literature in individuals affected with CHD2-related conditions. This variant is not present in population databases (gnomAD no frequency). This sequence change replaces arginine, which is basic and polar, with glycine, which is neutral and non-polar, at codon 957 of the CHD2 protein (p.Arg957Gly).